The following is an entry in ClinVar:

ClinVar aggregate classification (germline): Uncertain significance (1 of 4 stars; one submission).

Conditions:
Neuronal ceroid lipofuscinosis 11. Also called: GRN-Related Neuronal Ceroid-Lipofuscinosis. Identifiers: Orphanet 314629, Orphanet 79262, MedGen C3539123, MONDO:0013866, OMIM 614706.
GRN-related frontotemporal lobar degeneration with Tdp43 inclusions (FTD2). Also called: DEMENTIA, HEREDITARY DYSPHASIC DISINHIBITION; FRONTOTEMPORAL LOBAR DEGENERATION WITH UBIQUITIN-POSITIVE INCLUSIONS; FTLD-TDP, GRN-RELATED; GRN Frontotemporal Dementia; FRONTOTEMPORAL DEMENTIA WITH TDP43 INCLUSIONS, GRN-RELATED. Identifiers: Orphanet 100070, Orphanet 282, MedGen C1843792, MONDO:0011842, OMIM 607485. Disease mechanism: loss of function.

Allele frequency attached by ClinVar (database versions not stated): ExAC 0.00003.
gnomAD v4.1: 12 of 1,614,028 alleles (0.00074%); highest among the groups gnomAD compares: East Asian, 0.0045%; no homozygotes.

Submission:

Labcorp Genetics (formerly Invitae), Labcorp
Classification: Uncertain significance for Neuronal ceroid lipofuscinosis 11; GRN-related frontotemporal lobar degeneration with Tdp43 inclusions. Last evaluated: 2022-06-27. Review status: criteria provided, single submitter. Criteria: Invitae Variant Classification Sherloc (09022015). Collection method: clinical testing. Allele origin: germline.
Comment: This sequence change replaces arginine, which is basic and polar, with tryptophan, which is neutral and slightly polar, at codon 214 of the GRN protein (p.Arg214Trp). This variant is present in population databases (rs755231071, gnomAD 0.01%). This variant has not been reported in the literature in individuals affected with GRN-related conditions. Algorithms developed to predict the effect of missense changes on protein structure and function are either unavailable or do not agree on the potential impact of this missense change (SIFT: "Deleterious"; PolyPhen-2: "Benign"; Align-GVGD: "Class C0"). In summary, the available evidence is currently insufficient to determine the role of this variant in disease. Therefore, it has been classified as a Variant of Uncertain Significance.

NM_002087.4(GRN):c.640C>T (p.Arg214Trp)

Gene: GRN (granulin precursor; plus strand). Cytogenetic location: 17q21.31.
Variant type: single nucleotide variant.
Coding change: c.640C>T on transcript NM_002087.4 (MANE Select); coding-DNA position 640, C replaced by T.
Protein change: p.Arg214Trp; replaces arginine 214 with tryptophan.
Molecular consequence: missense variant.
Genome position (GRCh38, 1-based): chr17:44,350,732, C>T. VCF-style: chr17-44350732-C-T. GRCh37 (hg19) VCF-style: chr17-42428100-C-T.
Other names: short protein forms R214W.
Identifiers: ClinVar variation 2143181 (VCV002143181.4), dbSNP rs755231071, ClinGen allele CA8601964.
Genomic context (GRCh38, chr17:44,350,732, plus strand): 5'-ACGTTTGCTCCTCTTCCAGTGGCCTTGTCCAGCTCGGTCATGTGTCCGGACGCACGGTCC[C>T]GGTGCCCTGATGGTTCTACCTGCTGTGAGCTGCCCAGTGGGAAGTATGGCTGCTGCCCAA-3'
Protein context (NP_002078.1, residues 204-224): SSVMCPDARS[Arg214Trp]CPDGSTCCEL